The following is an entry in ClinVar:

ClinVar aggregate classification (germline): Uncertain significance. Review status: criteria provided, multiple submitters, no conflicts (2 of 4 stars). 2 submissions from 2 submitters: Uncertain significance (2). Last evaluated 2025-11-04.

Conditions:
CFB-related disorder. Also called: CFB-related disorders; CFB-related condition.

Submissions (2):

Labcorp Genetics (formerly Invitae), Labcorp
Classification: Uncertain significance. Last evaluated: 2025-11-04. Review status: criteria provided, single submitter. Criteria: Invitae Variant Classification Sherloc (09022015). Collection method: clinical testing. Allele origin: germline.
Comment: This sequence change replaces threonine, which is neutral and polar, with isoleucine, which is neutral and non-polar, at codon 316 of the CFB protein (p.Thr316Ile). This variant is not present in population databases (gnomAD no frequency). This variant has not been reported in the literature in individuals affected with CFB-related conditions. ClinVar contains an entry for this variant (Variation ID: 2631012). Invitae Evidence Modeling of protein sequence and biophysical properties (such as structural, functional, and spatial information, amino acid conservation, physicochemical variation, residue mobility, and thermodynamic stability) indicates that this missense variant is expected to disrupt CFB protein function with a positive predictive value of 80%. In summary, the available evidence is currently insufficient to determine the role of this variant in disease. Therefore, it has been classified as a Variant of Uncertain Significance.

PreventionGenetics, part of Exact Sciences
Classification: Uncertain significance for CFB-related condition. Last evaluated: 2023-08-18. Review status: criteria provided, single submitter. Criteria: ACMG Guidelines, 2015. Collection method: clinical testing. Allele origin: germline.
Comment: The CFB c.947C>T variant is predicted to result in the amino acid substitution p.Thr316Ile. To our knowledge, this variant has not been reported in the literature or in a large population database, indicating this variant is rare. At this time, the clinical significance of this variant is uncertain due to the absence of conclusive functional and genetic evidence.

NM_001710.6(CFB):c.947C>T (p.Thr316Ile)

Gene: CFB (complement factor B; plus strand). Cytogenetic location: 6p21.33.
Variant type: single nucleotide variant.
Coding change: c.947C>T on transcript NM_001710.6 (MANE Select); coding-DNA position 947, C replaced by T.
Protein change: p.Thr316Ile; replaces threonine 316 with isoleucine.
Molecular consequence: missense variant.
Genome position (GRCh38, 1-based): chr6:31,948,423, C>T. VCF-style: chr6-31948423-C-T. GRCh37 (hg19) VCF-style: chr6-31916200-C-T.
Other names: short protein forms T316I.
Identifiers: ClinVar variation 2631012 (VCV002631012.2), dbSNP rs2482688166, ClinGen allele CA363398347.